The following is an entry in ClinVar:

ClinVar aggregate classification (germline): Likely benign. Review status: criteria provided, multiple submitters, no conflicts (2 of 4 stars). 3 submissions from 3 submitters: Likely benign (2). 1 of the submissions does not count toward it. Last evaluated 2024-11-13.

Conditions:
CLU-related disorder. Also called: CLU-related condition.

Allele frequency attached by ClinVar (database versions not stated): ESP Exome Variant Server 0.00054.
gnomAD v4.1: 855 of 1,614,156 alleles (0.053%); highest among the groups gnomAD compares: Admixed American, 0.11%; 1 homozygote.

Submissions (3):

Blueprint Genetics
Classification: Likely benign. Last evaluated: 2024-11-13. Review status: criteria provided, single submitter. Criteria: ACMG Guidelines, 2015. Collection method: clinical testing. Allele origin: germline.

CeGaT Center for Human Genetics Tuebingen
Classification: Likely benign. Last evaluated: 2023-01-01. Review status: criteria provided, single submitter. Criteria: CeGaT Center For Human Genetics Tuebingen Variant Classification Criteria Version 2. Collection method: clinical testing. Allele origin: germline. Affected: yes. Observed: 1 variant allele.
Comment: CLU: BP4, BP7

PreventionGenetics, part of Exact Sciences
Classification: Likely benign for CLU-related condition. Last evaluated: 2019-10-28. Review status: no assertion criteria provided. Collection method: clinical testing. Allele origin: germline. Not counted in ClinVar's aggregate classification.
Comment: This variant is classified as likely benign based on ACMG/AMP sequence variant interpretation guidelines (Richards et al. 2015 PMID: 25741868, with internal and published modifications).

NM_001831.4(CLU):c.192C>T (p.Asn64=)

Gene: CLU (clusterin; minus strand). Cytogenetic location: 8p21.1.
Variant type: single nucleotide variant.
Coding change: c.192C>T on transcript NM_001831.4 (MANE Select); coding-DNA position 192, C replaced by T.
Protein change: p.Asn64=; no amino-acid change (asparagine 64 retained).
Molecular consequence: synonymous variant. On other transcripts: non-coding transcript variant (2).
Genome position (GRCh38, 1-based): chr8:27,608,992, G>A on the plus strand (C>T on the coding strand, the complement: CLU is on the minus strand). VCF-style: chr8-27608992-G-A. GRCh37 (hg19) VCF-style: chr8-27466509-G-A.
Other names: c.225C>T, p.Asn75= (NM_001171138.1); c.192C>T, p.Asn64= (NM_203339.3); c.192C>T (NM_001831.3).
Identifiers: ClinVar variation 2658504 (VCV002658504.26), dbSNP rs146277764, ClinGen allele CA4691046.
Genomic context (GRCh38, chr8:27,608,992, plus strand): 5'-CCTGACCTCTTTCTTCTTCTTGGCTTCTTCTAGGTTGCTGAGCAGTGTCTTGCGCTCTTC[G>A]TTTGTTTTTTCTATGAGAGTCTTTATCTGTTTCACCCCGTTGACAGCATTTTGAATTTCC-3'
Protein context (NP_001822.3, residues 54-74): KQIKTLIEKT[Asn64=]EERKTLLSNL